The following is an entry in ClinVar:

NM_002382.5(MAX):c.322A>C (p.Ser108Arg)

Gene: MAX (MYC associated transcriptional regulator X; minus strand). Cytogenetic location: 14q23.3.
Variant type: single nucleotide variant.
Coding change: c.322A>C on transcript NM_002382.5 (MANE Select); coding-DNA position 322, A replaced by C.
Protein change: p.Ser108Arg; replaces serine 108 with arginine.
Molecular consequence: missense variant. On other transcripts: 3 prime UTR variant (12), non-coding transcript variant (7), intron variant (2).
Genome position (GRCh38, 1-based): chr14:65,076,637, T>G on the plus strand (A>C on the coding strand, the complement: MAX is on the minus strand). VCF-style: chr14-65076637-T-G. GRCh37 (hg19) VCF-style: chr14-65543355-T-G.
Other names: c.133A>C, p.Ser45Arg (NM_001320415.2, NM_001407105.1, NM_001407106.1 and 1 more transcripts); c.322A>C, p.Ser108Arg (NM_001407094.1); c.295A>C, p.Ser99Arg (NM_001407095.1, NM_145112.3); c.*95A>C (NM_001407096.1, NM_001407099.1, NM_001407102.1 and 2 more transcripts); c.*111A>C (NM_001407097.1, NM_001407100.1, NM_001407101.1 and 4 more transcripts); c.214A>C, p.Ser72Arg (NM_001407098.1); c.121A>C, p.Ser41Arg (NM_001407111.1, NM_001407112.1); c.144+17071A>C (NM_001271069.2); and 1 more; short protein forms S45R, S108R, S99R, S41R, S72R.
Identifiers: ClinVar variation 3543703 (VCV003543703.1).

ClinVar aggregate classification (germline): Uncertain significance (1 of 4 stars; one submission).

Conditions:
Hereditary cancer-predisposing syndrome. Also called: Hereditary Cancer Syndrome; Hereditary neoplastic syndrome; Tumor predisposition; Neoplastic Syndromes, Hereditary. Identifiers: Orphanet 140162, MedGen C0027672, MeSH D009386, MONDO:0015356.

Submission:

Ambry Genetics
Classification: Uncertain significance for Hereditary cancer-predisposing syndrome. Last evaluated: 2024-11-16. Review status: criteria provided, single submitter. Criteria: Ambry Variant Classification Scheme 2023. Collection method: clinical testing. Allele origin: germline.
Comment: The p.S108R variant (also known as c.322A>C), located in coding exon 5 of the MAX gene, results from an A to C substitution at nucleotide position 322. The serine at codon 108 is replaced by arginine, an amino acid with dissimilar properties. This amino acid position is conserved. In addition, this alteration is predicted to be tolerated by in silico analysis. Based on the available evidence, the clinical significance of this variant remains unclear.